The following is an entry in ClinVar:

NM_006059.4(LAMC3):c.332dup (p.Val112fs)

Gene: LAMC3 (laminin subunit gamma 3; plus strand). Cytogenetic location: 9q34.12.
Variant type: Duplication.
Coding change: c.332dup on transcript NM_006059.4 (MANE Select); coding-DNA position 332, one base duplicated (G; older notation c.332dupG).
Protein change: p.Val112fs; shifts the reading frame from valine 112.
Molecular consequence: frameshift variant.
Genome position (GRCh38, 1-based): chr9:131,009,546, G duplicated; the last of 2 consecutive G bases (chr9:131,009,545-131,009,546); duplicating either gives the same sequence. VCF-style (leftmost placement, unchanged base first): chr9-131009544-C-CG. GRCh37 (hg19) VCF-style: chr9-133884931-C-CG.
Other names: c.332dupG (NM_006059.4); short protein forms V112fs.
Identifiers: ClinVar variation 1376853 (VCV001376853.8), dbSNP rs2133193948, ClinGen allele CA2573144073.

ClinVar aggregate classification (germline): Pathogenic. Review status: criteria provided, multiple submitters, no conflicts (2 of 4 stars). 2 submissions from 2 submitters: Pathogenic (2). Last evaluated 2024-03-13.

Conditions:
Occipital pachygyria and polymicrogyria. Identifiers: Orphanet 280640, MedGen C3279875, MONDO:0013583, OMIM 614115.

Submissions (2):

Women's Health and Genetics/Laboratory Corporation of America, LabCorp
Classification: Pathogenic for Occipital pachygyria and polymicrogyria. Last evaluated: 2024-03-13. Review status: criteria provided, single submitter. Criteria: LabCorp Variant Classification Summary - May 2015. Collection method: clinical testing. Allele origin: germline.
Comment: Variant summary: LAMC3 c.332dupG (p.Val112ArgfsX18) results in a premature termination codon, predicted to cause a truncation of the encoded protein or absence of the protein due to nonsense mediated decay, which are commonly known mechanisms for disease. The variant was absent in 174210 control chromosomes (gnomAD). To our knowledge, no occurrence of c.332dupG in individuals affected with Occipital Pachygyria And Polymicrogyria and no experimental evidence demonstrating its impact on protein function have been reported. ClinVar contains an entry for this variant (Variation ID: 1376853). Based on the evidence outlined above, the variant was classified as pathogenic.

Labcorp Genetics (formerly Invitae), Labcorp
Classification: Pathogenic. Last evaluated: 2022-02-02. Review status: criteria provided, single submitter. Criteria: Invitae Variant Classification Sherloc (09022015). Collection method: clinical testing. Allele origin: germline.
Comment: For these reasons, this variant has been classified as Pathogenic. This variant has not been reported in the literature in individuals affected with LAMC3-related conditions. This variant is not present in population databases (gnomAD no frequency). This sequence change creates a premature translational stop signal (p.Val112Argfs*18) in the LAMC3 gene. It is expected to result in an absent or disrupted protein product. Loss-of-function variants in LAMC3 are known to be pathogenic (PMID: 21572413, 26802095).

Literature cited by the submitters: PubMed 21572413 (cited by Labcorp Genetics (formerly Invitae), Labcorp); PubMed 26802095 (cited by Labcorp Genetics (formerly Invitae), Labcorp).